The following is an entry in ClinVar:

ClinVar aggregate classification (germline): Uncertain significance. Review status: criteria provided, single submitter (1 of 4 stars). 2 submissions from 2 submitters: Uncertain significance (1). 1 of the submissions does not count toward it. Last evaluated 2024-02-29.

Conditions:
RAI1-related disorder. Also called: RAI1-related condition.

Allele frequency attached by ClinVar (database versions not stated): ExAC 0.00001; gnomAD 0.00001; gnomAD exomes 0.00001; TOPMed 0.00002.
gnomAD v4.1: 10 of 1,602,302 alleles (0.00062%); highest among the groups gnomAD compares: Middle Eastern, 0.016%; no homozygotes.

Submissions (2):

Labcorp Genetics (formerly Invitae), Labcorp
Classification: Uncertain significance. Last evaluated: 2024-02-29. Review status: criteria provided, single submitter. Criteria: Invitae Variant Classification Sherloc (09022015). Collection method: clinical testing. Allele origin: germline.
Comment: This sequence change replaces alanine, which is neutral and non-polar, with threonine, which is neutral and polar, at codon 1799 of the RAI1 protein (p.Ala1799Thr). This variant is present in population databases (rs756322625, gnomAD 0.001%). This variant has not been reported in the literature in individuals affected with RAI1-related conditions. An algorithm developed to predict the effect of missense changes on protein structure and function (PolyPhen-2) suggests that this variant is likely to be tolerated. In summary, the available evidence is currently insufficient to determine the role of this variant in disease. Therefore, it has been classified as a Variant of Uncertain Significance.

PreventionGenetics, part of Exact Sciences
Classification: Uncertain significance for RAI1-related condition. Last evaluated: 2024-06-03. Review status: no assertion criteria provided. Collection method: clinical testing. Allele origin: germline. Not counted in ClinVar's aggregate classification.
Comment: The RAI1 c.5395G>A variant is predicted to result in the amino acid substitution p.Ala1799Thr. To our knowledge, this variant has not been reported in the literature. This variant is reported in 0.0010% of alleles in individuals of European (Non-Finnish) descent in gnomAD. At this time, the clinical significance of this variant is uncertain due to the absence of conclusive functional and genetic evidence.

NM_030665.4(RAI1):c.5395G>A (p.Ala1799Thr)

Gene: RAI1 (retinoic acid induced 1; plus strand). Cytogenetic location: 17p11.2.
Variant type: single nucleotide variant.
Coding change: c.5395G>A on transcript NM_030665.4 (MANE Select); coding-DNA position 5395, G replaced by A.
Protein change: p.Ala1799Thr; replaces alanine 1799 with threonine.
Molecular consequence: missense variant.
Genome position (GRCh38, 1-based): chr17:17,798,343, G>A. VCF-style: chr17-17798343-G-A. GRCh37 (hg19) VCF-style: chr17-17701657-G-A.
Other names: c.5395G>A (NM_030665.3); short protein forms A1799T.
Identifiers: ClinVar variation 2809396 (VCV002809396.4), dbSNP rs756322625, ClinGen allele CA8419148.